The following is an entry in ClinVar:

NM_001351132.2(PEX5):c.1151A>G (p.Gln384Arg)

Gene: PEX5 (peroxisomal biogenesis factor 5; plus strand). Cytogenetic location: 12p13.31.
Variant type: single nucleotide variant.
Coding change: c.1151A>G on transcript NM_001351132.2 (MANE Select); coding-DNA position 1151, A replaced by G.
Protein change: p.Gln384Arg; replaces glutamine 384 with arginine.
Molecular consequence: missense variant.
Genome position (GRCh38, 1-based): chr12:7,208,050, A>G. VCF-style: chr12-7208050-A-G. GRCh37 (hg19) VCF-style: chr12-7360646-A-G.
Other names: c.1127A>G, p.Gln376Arg (NM_000319.5); c.1196A>G, p.Gln399Arg (NM_001131023.2); c.1040A>G, p.Gln347Arg (NM_001131024.2, NM_001351124.3, NM_001351126.2 and 7 more transcripts); c.1151A>G, p.Gln384Arg (NM_001131025.2, NM_001131026.2, NM_001300789.3 and 4 more transcripts); c.1085A>G, p.Gln362Arg (NM_001351135.3, NM_001351138.2); c.1142A>G, p.Gln381Arg (NM_001351136.2); c.1016A>G, p.Gln339Arg (NM_001351139.2, NM_001351140.2, NM_001374649.2); short protein forms Q339R, Q347R, Q362R, Q376R, Q381R, Q384R, Q399R.
Identifiers: ClinVar variation 1054342 (VCV001054342.9), dbSNP rs2136230787, ClinGen allele CA383731862.

ClinVar aggregate classification (germline): Uncertain significance (1 of 4 stars; one submission).

Conditions:
Peroxisome biogenesis disorder 2B (PBD2B). Identifiers: Orphanet 44, MedGen C3550234, MONDO:0008736, OMIM 202370.

gnomAD v4.1: 5 of 1,613,992 alleles (0.00031%); highest among the groups gnomAD compares: African/African-American, 0.0013%; no homozygotes.

Submission:

Labcorp Genetics (formerly Invitae), Labcorp
Classification: Uncertain significance for Peroxisome biogenesis disorder 2B. Last evaluated: 2025-06-23. Review status: criteria provided, single submitter. Criteria: Invitae Variant Classification Sherloc (09022015). Collection method: clinical testing. Allele origin: germline.
Comment: This sequence change replaces glutamine, which is neutral and polar, with arginine, which is basic and polar, at codon 384 of the PEX5 protein (p.Gln384Arg). This variant is not present in population databases (gnomAD no frequency). This variant has not been reported in the literature in individuals affected with PEX5-related conditions. ClinVar contains an entry for this variant (Variation ID: 1054342). Invitae Evidence Modeling of protein sequence and biophysical properties (such as structural, functional, and spatial information, amino acid conservation, physicochemical variation, residue mobility, and thermodynamic stability) indicates that this missense variant is not expected to disrupt PEX5 protein function with a negative predictive value of 80%. In summary, the available evidence is currently insufficient to determine the role of this variant in disease. Therefore, it has been classified as a Variant of Uncertain Significance.